The following is an entry in ClinVar:

ClinVar aggregate classification (germline): Likely benign (1 of 4 stars; one submission).

Submission:

CeGaT Center for Human Genetics Tuebingen
Classification: Likely benign. Last evaluated: 2024-03-01. Review status: criteria provided, single submitter. Criteria: CeGaT Center For Human Genetics Tuebingen Variant Classification Criteria Version 2. Collection method: clinical testing. Allele origin: germline. Affected: yes. Observed: 2 variant alleles.
Comment: DICER1: BP4

NM_177438.3(DICER1):c.4206+7_4206+10del

Gene: DICER1 (dicer 1, ribonuclease III; minus strand). Cytogenetic location: 14q32.13.
Variant type: Deletion.
Coding change: c.4206+7_4206+10del on transcript NM_177438.3 (MANE Select); bases 7 to 10 of the intron after coding-DNA position 4206, 4 bases deleted (TTGT; older notation c.4206+7_4206+10delTTGT).
Molecular consequence: intron variant.
Genome position (GRCh38, 1-based): chr14:95,099,770-95,099,773, ACAA deleted on the plus strand (TTGT on the coding strand, the reverse complement: DICER1 is on the minus strand); deleting any 4 consecutive bases within chr14:95,099,770-95,099,775 gives the same sequence; the c. name uses the placement nearest the transcript's 3' end. VCF-style (leftmost placement, unchanged base first): chr14-95099769-CACAA-C. GRCh37 (hg19) VCF-style: chr14-95566106-CACAA-C.
Other names: c.3801+7_3801+10del (NM_001395688.1, NM_001395696.1, NM_001395690.1 and 2 more transcripts); c.2523+7_2523+10del (NM_001395697.1); c.4206+7_4206+10del (NM_001395679.1, NM_001395682.1, NM_001271282.3 and 12 more transcripts); c.3924+7_3924+10del (NM_001395686.1); c.3639+7_3639+10del (NM_001395691.1).
Identifiers: ClinVar variation 2644489 (VCV002644489.24), dbSNP rs2139899950, ClinGen allele CA487625731.